The following is an entry in ClinVar:

ClinVar aggregate classification (germline): Uncertain significance (1 of 4 stars; one submission).

Submission:

Ambry Genetics
Classification: Uncertain significance. Last evaluated: 2024-06-21. Review status: criteria provided, single submitter. Criteria: Ambry Variant Classification Scheme 2023. Collection method: clinical testing. Allele origin: germline.
Comment: The p.E915G variant (also known as c.2744A>G), located in coding exon 16 of the POLQ gene, results from an A to G substitution at nucleotide position 2744. The glutamic acid at codon 915 is replaced by glycine, an amino acid with similar properties. This amino acid position is conserved. In addition, this alteration is predicted to be tolerated by in silico analysis. Based on the available evidence, the clinical significance of this variant remains unclear.

NM_199420.4(POLQ):c.2744A>G (p.Glu915Gly)

Gene: POLQ (DNA polymerase theta; minus strand). Cytogenetic location: 3q13.33.
Variant type: single nucleotide variant.
Coding change: c.2744A>G on transcript NM_199420.4 (MANE Select); coding-DNA position 2744, A replaced by G.
Protein change: p.Glu915Gly; replaces glutamic acid 915 with glycine.
Molecular consequence: missense variant.
Genome position (GRCh38, 1-based): chr3:121,490,187, T>C on the plus strand (A>G on the coding strand, the complement: POLQ is on the minus strand). VCF-style: chr3-121490187-T-C. GRCh37 (hg19) VCF-style: chr3-121209034-T-C.
Other names: short protein forms E915G.
Identifiers: ClinVar variation 3308527 (VCV003308527.1).